The following is an entry in ClinVar:

ClinVar aggregate classification (germline): Uncertain significance. Review status: criteria provided, multiple submitters, no conflicts (2 of 4 stars). 2 submissions from 2 submitters: Uncertain significance (2). Last evaluated 2023-01-17.

Conditions:
Inborn genetic diseases. Identifiers: MedGen C0950123, MeSH D030342.
Developmental and epileptic encephalopathy, 12 (DEE12). Identifiers: MedGen C3150988, MONDO:0013389, OMIM 613722.

Allele frequency attached by ClinVar (database versions not stated): gnomAD 0.00001; gnomAD exomes 0.00001; TOPMed 0.00001.

Submissions (2):

Ambry Genetics
Classification: Uncertain significance for Inborn genetic diseases. Last evaluated: 2023-01-17. Review status: criteria provided, single submitter. Criteria: Ambry Variant Classification Scheme 2023. Collection method: clinical testing. Allele origin: germline.

Labcorp Genetics (formerly Invitae), Labcorp
Classification: Uncertain significance for Developmental and epileptic encephalopathy, 12. Last evaluated: 2021-01-29. Review status: criteria provided, single submitter. Criteria: Invitae Variant Classification Sherloc (09022015). Collection method: clinical testing. Allele origin: germline.
Comment: In summary, the available evidence is currently insufficient to determine the role of this variant in disease. Therefore, it has been classified as a Variant of Uncertain Significance. Algorithms developed to predict the effect of missense changes on protein structure and function output the following: SIFT: "Tolerated"; PolyPhen-2: "Benign"; Align-GVGD: "Class C0". The histidine amino acid residue is found in multiple mammalian species, suggesting that this missense change does not adversely affect protein function. These predictions have not been confirmed by published functional studies and their clinical significance is uncertain. This variant has not been reported in the literature in individuals with PNKP-related disease. This variant is not present in population databases (ExAC no frequency). This sequence change replaces arginine with histidine at codon 110 of the PNKP protein (p.Arg110His). The arginine residue is weakly conserved and there is a small physicochemical difference between arginine and histidine.

NM_007254.4(PNKP):c.329G>A (p.Arg110His)

Gene: PNKP (polynucleotide kinase 3'-phosphatase; minus strand). Cytogenetic location: 19q13.33.
Variant type: single nucleotide variant.
Coding change: c.329G>A on transcript NM_007254.4 (MANE Select); coding-DNA position 329, G replaced by A.
Protein change: p.Arg110His; replaces arginine 110 with histidine.
Molecular consequence: missense variant.
Genome position (GRCh38, 1-based): chr19:49,865,296, C>T on the plus strand (G>A on the coding strand, the complement: PNKP is on the minus strand). VCF-style: chr19-49865296-C-T. GRCh37 (hg19) VCF-style: chr19-50368553-C-T.
Other names: short protein forms R110H.
Identifiers: ClinVar variation 538897 (VCV000538897.8), dbSNP rs867937617, ClinGen allele CA309498557.
Genomic context (GRCh38, chr19:49,865,296, plus strand): 5'-TTCTCATCTTGGGACACCAGAGGGGTGCCAGGCGGAGTATCTGGCTGGGATTCTGGTGTG[C>T]GGGTCTCTTCCCAGCGCAGGGTCAGTGGGTGGAGGCCATTGACCAAATACAGTGTGTCCC-3'
Protein context (NP_009185.2, residues 100-120): HPLTLRWEET[Arg110His]TPESQPDTPP